The following is an entry in ClinVar:

ClinVar aggregate classification (germline): Uncertain significance. Review status: criteria provided, multiple submitters, no conflicts (2 of 4 stars). 3 submissions from 3 submitters: Uncertain significance (3). Last evaluated 2026-02-10.

Conditions:
Inborn genetic diseases. Identifiers: MedGen C0950123, MeSH D030342.
Muscular dystrophy-dystroglycanopathy (congenital with brain and eye anomalies), type A13. Also called: WALKER-WARBURG SYNDROME OR MUSCLE-EYE-BRAIN DISEASE, B3GNT1-RELATED; Muscular dystrophy-dystroglycanopathy (congenital with brain and eye anomalies), type a, 13. Identifiers: Orphanet 899, MedGen C3809042, MONDO:0014120, OMIM 615287.

Allele frequency attached by ClinVar (database versions not stated): ESP Exome Variant Server 0.00008; TOPMed 0.00009; ExAC 0.00003; gnomAD exomes 0.00005; gnomAD 0.00006.

Submissions (3):

GeneDx
Classification: Uncertain significance. Last evaluated: 2026-02-10. Review status: criteria provided, single submitter. Criteria: GeneDx Variant Classification Process June 2021. Collection method: clinical testing. Allele origin: germline.
Comment: Not observed at significant frequency in large population cohorts (gnomAD); In silico analysis suggests that this missense variant does not alter protein structure/function; Has not been previously published as pathogenic or benign to our knowledge

Ambry Genetics
Classification: Uncertain significance for Inborn genetic diseases. Last evaluated: 2025-06-07. Review status: criteria provided, single submitter. Criteria: Ambry Variant Classification Scheme 2023. Collection method: clinical testing. Allele origin: germline.

Labcorp Genetics (formerly Invitae), Labcorp
Classification: Uncertain significance for Muscular dystrophy-dystroglycanopathy (congenital with brain and eye anomalies), type A13. Last evaluated: 2022-07-18. Review status: criteria provided, single submitter. Criteria: Invitae Variant Classification Sherloc (09022015). Collection method: clinical testing. Allele origin: germline.
Comment: This sequence change replaces glutamine, which is neutral and polar, with histidine, which is basic and polar, at codon 194 of the B4GAT1 protein (p.Gln194His). This variant is present in population databases (rs377415983, gnomAD 0.01%). This variant has not been reported in the literature in individuals affected with B4GAT1-related conditions. ClinVar contains an entry for this variant (Variation ID: 541278). Algorithms developed to predict the effect of missense changes on protein structure and function (SIFT, PolyPhen-2, Align-GVGD) all suggest that this variant is likely to be tolerated. In summary, the available evidence is currently insufficient to determine the role of this variant in disease. Therefore, it has been classified as a Variant of Uncertain Significance.

NM_006876.3(B4GAT1):c.582G>C (p.Gln194His)

Gene: B4GAT1 (beta-1,4-glucuronyltransferase 1; minus strand). Cytogenetic location: 11q13.2.
Variant type: single nucleotide variant.
Coding change: c.582G>C on transcript NM_006876.3 (MANE Select); coding-DNA position 582, G replaced by C.
Protein change: p.Gln194His; replaces glutamine 194 with histidine.
Molecular consequence: missense variant.
Genome position (GRCh38, 1-based): chr11:66,346,964, C>G on the plus strand (G>C on the coding strand, the complement: B4GAT1 is on the minus strand). VCF-style: chr11-66346964-C-G. GRCh37 (hg19) VCF-style: chr11-66114435-C-G.
Other names: short protein forms Q194H.
Identifiers: ClinVar variation 541278 (VCV000541278.9), dbSNP rs377415983, ClinGen allele CA6120534.